The following is an entry in ClinVar:

ClinVar aggregate classification (germline): Likely benign. Review status: criteria provided, multiple submitters, no conflicts (2 of 4 stars). 3 submissions from 3 submitters: Likely benign (3). Last evaluated 2025-12-24.

Conditions:
Cardiovascular phenotype. Identifiers: MedGen CN230736.
Dilated cardiomyopathy 1G (CMD1G). Identifiers: Orphanet 154, MedGen C1858763, MONDO:0011400, OMIM 604145.
Autosomal recessive limb-girdle muscular dystrophy type 2J (LGMDR10). Also called: Limb-girdle muscular dystrophy, type 2J; MUSCULAR DYSTROPHY, LIMB-GIRDLE, AUTOSOMAL RECESSIVE 10. Identifiers: Orphanet 140922, MedGen C1837342, MONDO:0012127, OMIM 608807.

Allele frequency attached by ClinVar (database versions not stated): gnomAD 0.00001; gnomAD exomes 0.00001; TOPMed 0.00002.
gnomAD v4.1: 16 of 1,613,294 alleles (0.00099%); highest among the groups gnomAD compares: Middle Eastern, 0.016%; no homozygotes.

Submissions (3):

Labcorp Genetics (formerly Invitae), Labcorp
Classification: Likely benign for Dilated cardiomyopathy 1G; Autosomal recessive limb-girdle muscular dystrophy type 2J. Last evaluated: 2025-12-24. Review status: criteria provided, single submitter. Criteria: Invitae Variant Classification Sherloc (09022015). Collection method: clinical testing. Allele origin: germline.

Ambry Genetics
Classification: Likely benign for Cardiovascular phenotype. Last evaluated: 2019-08-30. Review status: criteria provided, single submitter. Criteria: Ambry Variant Classification Scheme 2023. Collection method: clinical testing. Allele origin: germline.

GeneDx
Classification: Likely benign. Last evaluated: 2017-04-12. Review status: criteria provided, single submitter. Criteria: GeneDx Variant Classification (06012015). Collection method: clinical testing. Allele origin: germline. Affected: yes.
Comment: This variant is considered likely benign or benign based on one or more of the following criteria: it is a conservative change, it occurs at a poorly conserved position in the protein, it is predicted to be benign by multiple in silico algorithms, and/or has population frequency not consistent with disease.

NM_001267550.2(TTN):c.13044C>T (p.Asn4348=)

Gene: TTN (titin; minus strand). Cytogenetic location: 2q31.2.
Variant type: single nucleotide variant.
Coding change: c.13044C>T on transcript NM_001267550.2 (MANE Select); coding-DNA position 13044, C replaced by T.
Protein change: p.Asn4348=; no amino-acid change (asparagine 4348 retained).
Molecular consequence: synonymous variant. On other transcripts: intron variant (1).
Genome position (GRCh38, 1-based): chr2:178,740,189, G>A on the plus strand (C>T on the coding strand, the complement: TTN is on the minus strand). VCF-style: chr2-178740189-G-A. GRCh37 (hg19) VCF-style: chr2-179604916-G-A.
Other names: c.12093C>T, p.Asn4031= (NM_001256850.1); c.11955C>T, p.Asn3985= (NM_003319.4); c.12330C>T, p.Asn4110= (NM_133432.3); c.12531C>T, p.Asn4177= (NM_133437.4); c.10361-1829C>T (NM_133378.4).
Identifiers: ClinVar variation 508977 (VCV000508977.12), dbSNP rs879161892, ClinGen allele CA60983948.